The following is an entry in ClinVar:

NM_000073.3(CD3G):c.*453G>T

Gene: CD3G (CD3 gamma subunit of T-cell receptor complex; plus strand). Cytogenetic location: 11q23.3.
Variant type: single nucleotide variant.
Coding change: c.*453G>T on transcript NM_000073.3 (MANE Select); 453 bases downstream of the stop codon, G replaced by T.
Molecular consequence: 3 prime UTR variant.
Genome position (GRCh38, 1-based): chr11:118,353,553, G>T. VCF-style: chr11-118353553-G-T. GRCh37 (hg19) VCF-style: chr11-118224268-G-T.
Other names: NC_000011.9:g.118224268G>T.
Identifiers: ClinVar variation 302693 (VCV000302693.7), dbSNP rs45477194, ClinGen allele CA10637326.

ClinVar aggregate classification (germline): Benign. Review status: criteria provided, multiple submitters, no conflicts (2 of 4 stars). 2 submissions from 2 submitters: Benign (2). Last evaluated 2018-01-13.

Conditions:
Combined immunodeficiency due to CD3gamma deficiency. Also called: CD3-GAMMA DEFICIENCY; SCID-LIKE IMMUNODEFICIENCY, T CELL-PARTIAL, B CELL-POSITIVE, NK CELL-POSITIVE; Immunodeficiency 17; Immunodeficiency 17, CD3 gamma deficient. Identifiers: Orphanet 169082, MedGen C3810107, MONDO:0014276, OMIM 615607.

Allele frequency attached by ClinVar (database versions not stated): TOPMed 0.16721; 1000 Genomes Project 0.29772.

Submissions (6):

Illumina Laboratory Services, Illumina
Classification: Benign for Combined immunodeficiency due to CD3gamma deficiency. Last evaluated: 2018-01-13. Review status: criteria provided, single submitter. Criteria: ICSL Variant Classification Criteria 13 December 2019. Collection method: clinical testing. Allele origin: germline.
Comment: This variant was observed in the ICSL laboratory as part of a predisposition screen in an ostensibly healthy population. It had not been previously curated by ICSL or reported in the Human Gene Mutation Database (HGMD: prior to June 1st, 2018), and was therefore a candidate for classification through an automated scoring system. Utilizing variant allele frequency, disease prevalence and penetrance estimates, and inheritance mode, an automated score was calculated to assess if this variant is too frequent to cause the disease. Based on the score and internal cut-off values, a variant classified as benign is not then subjected to further curation. The score for this variant resulted in a classification of benign for this disease.

Breakthrough Genomics
Classification: Benign. Review status: criteria provided, single submitter. Criteria: ACMG Guidelines, 2015. Collection method: not provided. Allele origin: germline. Inheritance: Autosomal recessive inheritance. Affected: yes.

Dr. Peter K. Rogan Lab, Western University
No classification provided (evidence only). Condition: Acute myeloid leukemia. Review status: no classification provided. Collection method: in vitro. Allele origin: not applicable. Functional consequence: retained intron. Not counted in ClinVar's aggregate classification.

Dr. Peter K. Rogan Lab, Western University
No classification provided (evidence only). Condition: Acute myeloid leukemia. Review status: no classification provided. Collection method: in vitro. Allele origin: not applicable. Functional consequence: retained intron. Not counted in ClinVar's aggregate classification.

Dr. Peter K. Rogan Lab, Western University
No classification provided (evidence only). Condition: Ovarian serous cystadenocarcinoma. Review status: no classification provided. Collection method: in vitro. Allele origin: not applicable. Functional consequence: retained intron. Not counted in ClinVar's aggregate classification.

Dr. Peter K. Rogan Lab, Western University
No classification provided (evidence only). Condition: Ovarian serous cystadenocarcinoma. Review status: no classification provided. Collection method: in vitro. Allele origin: not applicable. Functional consequence: retained intron. Not counted in ClinVar's aggregate classification.